The following is an entry in ClinVar:

NM_001164508.2(NEB):c.12402_12403del (p.Asn4134fs)

Gene: NEB (nebulin; minus strand). Cytogenetic location: 2q23.3.
Variant type: Deletion.
Coding change: c.12402_12403del on transcript NM_001164508.2 (MANE Select); coding-DNA positions 12402 to 12403, 2 bases deleted (CA; older notation c.12402_12403delCA).
Protein change: p.Asn4134fs; shifts the reading frame from asparagine 4134.
Molecular consequence: frameshift variant. On other transcripts: intron variant (1).
Genome position (GRCh38, 1-based): chr2:151,608,604-151,608,605, TG deleted on the plus strand (CA on the coding strand, the reverse complement: NEB is on the minus strand); deleting any 2 consecutive bases within chr2:151,608,604-151,608,606 gives the same sequence; the c. name uses the placement nearest the transcript's 3' end. VCF-style (leftmost placement, unchanged base first): chr2-151608603-CTG-C. GRCh37 (hg19) VCF-style: chr2-152465117-CTG-C.
Other names: c.12402_12403del, p.Asn4134fs (NM_001164507.2, NM_001271208.2); c.11601+1204_11601+1205del (NM_004543.5); short protein forms N4134fs.
Identifiers: ClinVar variation 1075201 (VCV001075201.9), dbSNP rs2153960473, ClinGen allele CA2499215079.

ClinVar aggregate classification (germline): Pathogenic (1 of 4 stars; one submission).

Conditions:
Nemaline myopathy 2 (NEM2). Also called: Nemaline myopathy 2, autosomal recessive. Identifiers: MedGen C1850569, MONDO:0009725, OMIM 256030.

Submission:

Labcorp Genetics (formerly Invitae), Labcorp
Classification: Pathogenic for Nemaline myopathy 2. Last evaluated: 2020-10-15. Review status: criteria provided, single submitter. Criteria: Invitae Variant Classification Sherloc (09022015). Collection method: clinical testing. Allele origin: germline.
Comment: This variant occurs in a region of NEB (Exons 82-105) consisting of three highly homologous 8-exon repeat units (exons 82-89, exons 90-97, exons 98-105). Sequence variants in this region can be detected, but this assay cannot determine which of the three repeat units is affected, and zygosity is often ambiguous. All variants in this region are reported relative to the exon 82-89 repeat. For these reasons, this variant has been classified as Pathogenic. Loss-of-function variants in NEB are known to be pathogenic (PMID: 25205138). This variant has not been reported in the literature in individuals with NEB-related conditions. The frequency data for this variant in the population databases (ExAC) is considered unreliable due to the presence of homologous sequence, such as pseudogenes or paralogs, in the genome. This sequence change creates a premature translational stop signal (p.Asn4134Lysfs*11) in the NEB gene. It is expected to result in an absent or disrupted protein product.

Literature cited by the submitters: PubMed 25205138.